The following is an entry in ClinVar:

NM_000550.3(TYRP1):c.1239A>C (p.Glu413Asp)

Genes: LURAP1L-AS1 (LURAP1L antisense RNA 1; minus strand), TYRP1 (tyrosinase related protein 1; plus strand). Cytogenetic location: 9p23.
Variant type: single nucleotide variant.
Coding change: c.1239A>C on transcript NM_000550.3 (MANE Select); coding-DNA position 1239, A replaced by C.
Protein change: p.Glu413Asp; replaces glutamic acid 413 with aspartic acid.
Molecular consequence: missense variant.
Genome position (GRCh38, 1-based): chr9:12,704,683, A>C. VCF-style: chr9-12704683-A-C. GRCh37 (hg19) VCF-style: chr9-12704683-A-C.
Other names: short protein forms E413D.
Identifiers: ClinVar variation 1315097 (VCV001315097.2), dbSNP rs2118259333, ClinGen allele CA372943010.

ClinVar aggregate classification (germline): Uncertain significance (1 of 4 stars; one submission).

Submission:

GeneDx
Classification: Uncertain significance. Last evaluated: 2020-02-13. Review status: criteria provided, single submitter. Criteria: GeneDx Variant Classification Process June 2021. Collection method: clinical testing. Allele origin: germline. Affected: yes.
Comment: Not observed in large population cohorts (Lek et al., 2016); In silico analysis supports that this missense variant does not alter protein structure/function; Has not been previously published as pathogenic or benign to our knowledge